The following is an entry in ClinVar:

ClinVar aggregate classification (germline): Uncertain significance (1 of 4 stars; one submission).

Conditions:
Candidiasis, familial, 6 (CANDF6). Also called: Candidiasis, familial, 6, autosomal dominant. Identifiers: Orphanet 1334, MedGen C3151405, MONDO:0013503, OMIM 613956.

Submission:

Labcorp Genetics (formerly Invitae), Labcorp
Classification: Uncertain significance for Candidiasis, familial, 6. Last evaluated: 2024-06-26. Review status: criteria provided, single submitter. Criteria: Invitae Variant Classification Sherloc (09022015). Collection method: clinical testing. Allele origin: germline.
Comment: This sequence change replaces valine, which is neutral and non-polar, with leucine, which is neutral and non-polar, at codon 3 of the IL17F protein (p.Val3Leu). This variant is not present in population databases (gnomAD no frequency). This variant has not been reported in the literature in individuals affected with IL17F-related conditions. An algorithm developed to predict the effect of missense changes on protein structure and function (PolyPhen-2) suggests that this variant is likely to be tolerated. In summary, the available evidence is currently insufficient to determine the role of this variant in disease. Therefore, it has been classified as a Variant of Uncertain Significance.

NM_052872.4(IL17F):c.7G>C (p.Val3Leu)

Gene: IL17F (interleukin 17F; minus strand). Cytogenetic location: 6p12.2.
Variant type: single nucleotide variant.
Coding change: c.7G>C on transcript NM_052872.4 (MANE Select); coding-DNA position 7, G replaced by C.
Protein change: p.Val3Leu; replaces valine 3 with leucine.
Molecular consequence: missense variant.
Genome position (GRCh38, 1-based): chr6:52,244,423, C>G on the plus strand (G>C on the coding strand, the complement: IL17F is on the minus strand). VCF-style: chr6-52244423-C-G. GRCh37 (hg19) VCF-style: chr6-52109221-C-G.
Other names: short protein forms V3L.
Identifiers: ClinVar variation 3657111 (VCV003657111.2).